The following is an entry in ClinVar:

NM_001035.3(RYR2):c.8647G>A (p.Ala2883Thr)

Gene: RYR2 (ryanodine receptor 2; plus strand). Cytogenetic location: 1q43.
Variant type: single nucleotide variant.
Coding change: c.8647G>A on transcript NM_001035.3 (MANE Select); coding-DNA position 8647, G replaced by A.
Protein change: p.Ala2883Thr; replaces alanine 2883 with threonine.
Molecular consequence: missense variant.
Genome position (GRCh38, 1-based): chr1:237,674,152, G>A. VCF-style: chr1-237674152-G-A. GRCh37 (hg19) VCF-style: chr1-237837452-G-A.
Other names: short protein forms A2883T.
Identifiers: ClinVar variation 3572439 (VCV003572439.1).

ClinVar aggregate classification (germline): Uncertain significance (1 of 4 stars; one submission).

gnomAD v4.1: 1 of 1,612,504 alleles (0.000062%); highest among the groups gnomAD compares: Non-Finnish European, 0.000085%; no homozygotes.

Submission:

GeneDx
Classification: Uncertain significance. Last evaluated: 2024-07-12. Review status: criteria provided, single submitter. Criteria: GeneDx Variant Classification Process June 2021. Collection method: clinical testing. Allele origin: germline. Affected: yes.
Comment: Has not been previously published as pathogenic or benign to our knowledge; Not observed at significant frequency in large population cohorts (gnomAD); In silico analysis indicates that this missense variant does not alter protein structure/function; This variant is associated with the following publications: (PMID: 19926015)